The following is an entry in ClinVar:

ClinVar aggregate classification (germline): Uncertain significance (1 of 4 stars; one submission).

Allele frequency attached by ClinVar (database versions not stated): gnomAD exomes below 0.00001.

Submission:

Labcorp Genetics (formerly Invitae), Labcorp
Classification: Uncertain significance. Last evaluated: 2024-11-05. Review status: criteria provided, single submitter. Criteria: Invitae Variant Classification Sherloc (09022015). Collection method: clinical testing. Allele origin: germline.
Comment: This sequence change replaces lysine, which is basic and polar, with arginine, which is basic and polar, at codon 1416 of the POLR1A protein (p.Lys1416Arg). This variant is not present in population databases (gnomAD no frequency). This variant has not been reported in the literature in individuals affected with POLR1A-related conditions. ClinVar contains an entry for this variant (Variation ID: 2110093). Invitae Evidence Modeling of protein sequence and biophysical properties (such as structural, functional, and spatial information, amino acid conservation, physicochemical variation, residue mobility, and thermodynamic stability) indicates that this missense variant is not expected to disrupt POLR1A protein function with a negative predictive value of 80%. In summary, the available evidence is currently insufficient to determine the role of this variant in disease. Therefore, it has been classified as a Variant of Uncertain Significance.

NM_015425.6(POLR1A):c.4247A>G (p.Lys1416Arg)

Gene: POLR1A (RNA polymerase I subunit A; minus strand). Cytogenetic location: 2p11.2.
Variant type: single nucleotide variant.
Coding change: c.4247A>G on transcript NM_015425.6 (MANE Select); coding-DNA position 4247, A replaced by G.
Protein change: p.Lys1416Arg; replaces lysine 1416 with arginine.
Molecular consequence: missense variant.
Genome position (GRCh38, 1-based): chr2:86,032,297, T>C on the plus strand (A>G on the coding strand, the complement: POLR1A is on the minus strand). VCF-style: chr2-86032297-T-C. GRCh37 (hg19) VCF-style: chr2-86259420-T-C.
Other names: short protein forms K1416R.
Identifiers: ClinVar variation 2110093 (VCV002110093.4), dbSNP rs2466311643, ClinGen allele CA347547792.